The following is an entry in ClinVar:

NM_177438.3(DICER1):c.5096-11G>T

Gene: DICER1 (dicer 1, ribonuclease III; minus strand). Cytogenetic location: 14q32.13.
Variant type: single nucleotide variant.
Coding change: c.5096-11G>T on transcript NM_177438.3 (MANE Select); 11 bases into the intron before coding-DNA position 5096, G replaced by T.
Molecular consequence: intron variant.
Genome position (GRCh38, 1-based): chr14:95,094,167, C>A on the plus strand (G>T on the coding strand, the complement: DICER1 is on the minus strand). VCF-style: chr14-95094167-C-A. GRCh37 (hg19) VCF-style: chr14-95560504-C-A.
Other names: c.5096-11G>T (NM_001291628.2, NM_030621.4, NM_001271282.3 and 1 more transcripts).
Identifiers: ClinVar variation 1668090 (VCV001668090.10), dbSNP rs769125146, ClinGen allele CA7330716.
Genomic context (GRCh38, chr14:95,094,167, plus strand): 5'-GAGGTAGTCCAAAATCGCATCTCCCAGGAATTCTAAGCGCTGGTAACAATCTGAGGGGAT[C>A]CGAAGTGGAACCGTAAGCTTGTGCAGAAGCATTTACACTATCCCCACATAGCAACTGATC-3'

ClinVar aggregate classification (germline): Likely benign. Review status: criteria provided, multiple submitters, no conflicts (2 of 4 stars). 2 submissions from 2 submitters: Likely benign (2). Last evaluated 2026-08-17.

Conditions:
DICER1-related tumor predisposition. Also called: DICER1-related pleuropulmonary blastoma cancer predisposition syndrome; DICER1 syndrome. Identifiers: Orphanet 284343, MedGen C3839822, MONDO:0100216.

Allele frequency attached by ClinVar (database versions not stated): ExAC 0.00001; gnomAD exomes below 0.00001.
gnomAD v4.1: 1 of 1,614,044 alleles (0.000062%); highest among the groups gnomAD compares: Non-Finnish European, 0.000085%; no homozygotes.

Submissions (2):

Myriad Genetics, Inc.
Classification: Likely benign for DICER1-related tumor predisposition. Last evaluated: 2026-08-17. Review status: criteria provided, single submitter. Criteria: Myriad Autosomal Dominant, Autosomal Recessive and X-Linked Classification Criteria (2023). Collection method: clinical testing. Allele origin: unknown.
Comment: This variant is considered likely benign. This variant is intronic and is not expected to impact mRNA splicing.

Labcorp Genetics (formerly Invitae), Labcorp
Classification: Likely benign for DICER1-related tumor predisposition. Last evaluated: 2026-01-19. Review status: criteria provided, single submitter. Criteria: Invitae Variant Classification Sherloc (09022015). Collection method: clinical testing. Allele origin: germline.